The following is an entry in ClinVar:

NM_001267550.2(TTN):c.60562C>T (p.His20188Tyr)

Genes: TTN (titin; minus strand), TTN-AS1 (TTN antisense RNA 1; plus strand). Cytogenetic location: 2q31.2.
Variant type: single nucleotide variant.
Coding change: c.60562C>T on transcript NM_001267550.2 (MANE Select); coding-DNA position 60562, C replaced by T.
Protein change: p.His20188Tyr; replaces histidine 20188 with tyrosine.
Molecular consequence: missense variant. On other transcripts: non-coding transcript variant (1).
Genome position (GRCh38, 1-based): chr2:178,591,163, G>A on the plus strand (C>T on the coding strand, the complement: TTN is on the minus strand). VCF-style: chr2-178591163-G-A. GRCh37 (hg19) VCF-style: chr2-179455890-G-A.
Other names: c.55639C>T, p.His18547Tyr (NM_001256850.1); c.33367C>T, p.His11123Tyr (NM_003319.4); c.52858C>T, p.His17620Tyr (NM_133378.4); c.33742C>T, p.His11248Tyr (NM_133432.3); c.33943C>T, p.His11315Tyr (NM_133437.4); short protein forms H11123Y, H11248Y, H11315Y, H17620Y, H18547Y, H20188Y.
Identifiers: ClinVar variation 2633416 (VCV002633416.1), dbSNP rs2469466558, ClinGen allele CA349483953.

ClinVar aggregate classification (germline): Uncertain significance (1 of 4 stars; one submission).

Conditions:
TTN-related disorder. Also called: TTN-related condition; TTN-related disease; TTN-related disorders.

Allele frequency attached by ClinVar (database versions not stated): gnomAD exomes below 0.00001.
gnomAD v4.1: 1 of 1,613,362 alleles (0.000062%); highest among the groups gnomAD compares: Non-Finnish European, 0.000085%; no homozygotes.

Submission:

PreventionGenetics, part of Exact Sciences
Classification: Uncertain significance for TTN-related condition. Last evaluated: 2023-03-16. Review status: criteria provided, single submitter. Criteria: ACMG Guidelines, 2015. Collection method: clinical testing. Allele origin: germline.
Comment: The TTN c.60562C>T variant is predicted to result in the amino acid substitution p.His20188Tyr. To our knowledge, this variant has not been reported in the literature or in a large population database, indicating this variant is rare. At this time, the clinical significance of this variant is uncertain due to the absence of conclusive functional and genetic evidence.